The following is an entry in ClinVar:

NM_004380.3(CREBBP):c.6831G>A (p.Pro2277=)

Gene: CREBBP (CREB binding lysine acetyltransferase; minus strand). Cytogenetic location: 16p13.3.
Variant type: single nucleotide variant.
Coding change: c.6831G>A on transcript NM_004380.3 (MANE Select); coding-DNA position 6831, G replaced by A.
Protein change: p.Pro2277=; no amino-acid change (proline 2277 retained).
Molecular consequence: synonymous variant.
Genome position (GRCh38, 1-based): chr16:3,728,216, C>T on the plus strand (G>A on the coding strand, the complement: CREBBP is on the minus strand). VCF-style: chr16-3728216-C-T. GRCh37 (hg19) VCF-style: chr16-3778217-C-T.
Other names: c.6717G>A, p.Pro2239= (NM_001079846.1); c.6831G>A (NM_004380.2).
Identifiers: ClinVar variation 2723506 (VCV002723506.4), dbSNP rs778189658, ClinGen allele CA7868988.

ClinVar aggregate classification (germline): Benign. Review status: criteria provided, single submitter (1 of 4 stars). 2 submissions from 2 submitters: Benign (1). 1 of the submissions does not count toward it. Last evaluated 2025-04-28.

Conditions:
CREBBP-related disorder. Also called: CREBBP-related disorders; CREBBP-related condition.
Rubinstein-Taybi syndrome (RSTS). Identifiers: Orphanet 783, MedGen C0035934, MONDO:0019188.

Allele frequency attached by ClinVar (database versions not stated): ExAC 0.00001; gnomAD 0.00001; gnomAD exomes 0.00002; TOPMed 0.00002.
gnomAD v4.1: 27 of 1,613,358 alleles (0.0017%); highest among the groups gnomAD compares: Middle Eastern, 0.017%; no homozygotes.

Submissions (2):

Labcorp Genetics (formerly Invitae), Labcorp
Classification: Benign for Rubinstein-Taybi syndrome. Last evaluated: 2025-04-28. Review status: criteria provided, single submitter. Criteria: Invitae Variant Classification Sherloc (09022015). Collection method: clinical testing. Allele origin: germline.

PreventionGenetics, part of Exact Sciences
Classification: Likely benign for CREBBP-related condition. Last evaluated: 2022-07-27. Review status: no assertion criteria provided. Collection method: clinical testing. Allele origin: germline. Not counted in ClinVar's aggregate classification.
Comment: This variant is classified as likely benign based on ACMG/AMP sequence variant interpretation guidelines (Richards et al. 2015 PMID: 25741868, with internal and published modifications).